The following is an entry in ClinVar:

ClinVar aggregate classification (germline): Benign. Review status: criteria provided, multiple submitters, no conflicts (2 of 4 stars). 2 submissions from 2 submitters: Benign (2). Last evaluated 2018-01-13.

Conditions:
Cone-rod synaptic disorder, congenital nonprogressive. Also called: NIGHT BLINDNESS, CONGENITAL STATIONARY, INCOMPLETE, AUTOSOMAL RECESSIVE. Identifiers: Orphanet 215, MedGen C4041558, MONDO:0012490, OMIM 610427.

Allele frequency attached by ClinVar (database versions not stated): gnomAD 0.13783 and 0.14831; 1000 Genomes Project 0.14477; TOPMed 0.15334; 1000 Genomes Project 30x 0.15881.

Submissions (2):

Illumina Laboratory Services, Illumina
Classification: Benign for Cone-rod synaptic disorder, congenital nonprogressive. Last evaluated: 2018-01-13. Review status: criteria provided, single submitter. Criteria: ICSL Variant Classification Criteria 13 December 2019. Collection method: clinical testing. Allele origin: germline.
Comment: This variant was observed in the ICSL laboratory as part of a predisposition screen in an ostensibly healthy population. It had not been previously curated by ICSL or reported in the Human Gene Mutation Database (HGMD: prior to June 1st, 2018), and was therefore a candidate for classification through an automated scoring system. Utilizing variant allele frequency, disease prevalence and penetrance estimates, and inheritance mode, an automated score was calculated to assess if this variant is too frequent to cause the disease. Based on the score and internal cut-off values, a variant classified as benign is not then subjected to further curation. The score for this variant resulted in a classification of benign for this disease.

Breakthrough Genomics
Classification: Benign. Review status: criteria provided, single submitter. Criteria: ACMG Guidelines, 2015. Collection method: not provided. Allele origin: germline. Inheritance: Autosomal recessive inheritance. Affected: yes.

NM_145200.5(CABP4):c.*1697A>G

Gene: CABP4 (calcium binding protein 4; plus strand). Cytogenetic location: 11q13.2.
Variant type: single nucleotide variant.
Coding change: c.*1697A>G on transcript NM_145200.5 (MANE Select); 1697 bases downstream of the stop codon, A replaced by G.
Molecular consequence: 3 prime UTR variant. On other transcripts: non-coding transcript variant (1).
Genome position (GRCh38, 1-based): chr11:67,460,356, A>G. VCF-style: chr11-67460356-A-G. GRCh37 (hg19) VCF-style: chr11-67227827-A-G.
Other names: c.*1697A>G (NM_001300895.3, NM_001300896.3, NM_001379183.1).
Identifiers: ClinVar variation 305681 (VCV000305681.6), dbSNP rs2514262, ClinGen allele CA10631350.